The following is an entry in ClinVar:

NM_004369.4(COL6A3):c.4979G>A (p.Arg1660His)

Gene: COL6A3 (collagen type VI alpha 3 chain; minus strand). Cytogenetic location: 2q37.3.
Variant type: single nucleotide variant.
Coding change: c.4979G>A on transcript NM_004369.4 (MANE Select); coding-DNA position 4979, G replaced by A.
Protein change: p.Arg1660His; replaces arginine 1660 with histidine.
Molecular consequence: missense variant.
Genome position (GRCh38, 1-based): chr2:237,367,208, C>T on the plus strand (G>A on the coding strand, the complement: COL6A3 is on the minus strand). VCF-style: chr2-237367208-C-T. GRCh37 (hg19) VCF-style: chr2-238275851-C-T.
Other names: c.3158G>A, p.Arg1053His (NM_057166.5); c.4361G>A, p.Arg1454His (NM_057167.4); c.4979G>A (NM_004369.3); short protein forms R1454H, R1053H, R1660H.
Identifiers: ClinVar variation 1499955 (VCV001499955.9), dbSNP rs982703428, ClinGen allele CA67814713.

ClinVar aggregate classification (germline): Uncertain significance. Review status: criteria provided, multiple submitters, no conflicts (2 of 4 stars). 3 submissions from 3 submitters: Uncertain significance (3). Last evaluated 2025-10-24.

Conditions:
Inborn genetic diseases. Identifiers: MedGen C0950123, MeSH D030342.
Bethlem myopathy 1A. Also called: Bethlem myopathy 1; Bethlem Muscular Dystrophy; MYOPATHY, BENIGN CONGENITAL, WITH CONTRACTURES. Identifiers: Orphanet 610, MedGen CN029274, MONDO:0024530, OMIM 158810.

Allele frequency attached by ClinVar (database versions not stated): gnomAD exomes below 0.00001 and 0.00001; gnomAD 0.00001 and 0.00002; TOPMed 0.00005.
gnomAD v4.1: 16 of 1,613,818 alleles (0.00099%); highest among the groups gnomAD compares: African/African-American, 0.004%; no homozygotes.

Submissions (3):

Ambry Genetics
Classification: Uncertain significance for Inborn genetic diseases. Last evaluated: 2025-10-24. Review status: criteria provided, single submitter. Criteria: Ambry Variant Classification Scheme 2023. Collection method: clinical testing. Allele origin: germline.

Revvity Omics, Revvity
Classification: Uncertain significance. Last evaluated: 2024-04-29. Review status: criteria provided, single submitter. Criteria: ACMG Guidelines, 2015. Collection method: clinical testing. Allele origin: germline.

Labcorp Genetics (formerly Invitae), Labcorp
Classification: Uncertain significance for Bethlem myopathy 1A. Last evaluated: 2023-12-06. Review status: criteria provided, single submitter. Criteria: Invitae Variant Classification Sherloc (09022015). Collection method: clinical testing. Allele origin: germline.
Comment: This sequence change replaces arginine, which is basic and polar, with histidine, which is basic and polar, at codon 1660 of the COL6A3 protein (p.Arg1660His). This variant is present in population databases (no rsID available, gnomAD 0.0009%). This variant has not been reported in the literature in individuals affected with COL6A3-related conditions. ClinVar contains an entry for this variant (Variation ID: 1499955). Advanced modeling of protein sequence and biophysical properties (such as structural, functional, and spatial information, amino acid conservation, physicochemical variation, residue mobility, and thermodynamic stability) performed at Invitae indicates that this missense variant is not expected to disrupt COL6A3 protein function with a negative predictive value of 80%. In summary, the available evidence is currently insufficient to determine the role of this variant in disease. Therefore, it has been classified as a Variant of Uncertain Significance.